The following is an entry in ClinVar:

ClinVar aggregate classification (germline): Conflicting classifications of pathogenicity. Review status: criteria provided, conflicting classifications (1 of 4 stars). 7 submissions from 7 submitters: Uncertain significance (6); Likely benign (1). Last evaluated 2026-02-26.

Conditions:
Hereditary nonpolyposis colorectal neoplasms. Identifiers: MedGen C0009405, MeSH D003123.
MSH6-related disorder. Also called: MSH6-Related disorders; MSH6-related condition.
Hereditary cancer-predisposing syndrome. Also called: Hereditary Cancer Syndrome; Tumor predisposition; Hereditary neoplastic syndrome; Neoplastic Syndromes, Hereditary. Identifiers: Orphanet 140162, MedGen C0027672, MeSH D009386, MONDO:0015356.
Endometrial carcinoma. Also called: Endometrial carcinoma, somatic. Identifiers: MedGen C0476089, MONDO:0002447, OMIM 608089, HP:0012114.

Allele frequency attached by ClinVar (database versions not stated): gnomAD exomes below 0.00001; TOPMed below 0.00001; gnomAD 0.00001.
gnomAD v4.1: 8 of 1,614,050 alleles (0.0005%); highest among the groups gnomAD compares: Non-Finnish European, 0.00068%; no homozygotes.

Submissions (7):

Ambry Genetics
Classification: Uncertain significance for Hereditary cancer-predisposing syndrome. Last evaluated: 2026-02-26. Review status: criteria provided, single submitter. Criteria: Ambry Variant Classification Scheme 2023. Collection method: clinical testing. Allele origin: germline.

Labcorp Genetics (formerly Invitae), Labcorp
Classification: Likely benign for Hereditary nonpolyposis colorectal neoplasms. Last evaluated: 2025-05-19. Review status: criteria provided, single submitter. Criteria: Invitae Variant Classification Sherloc (09022015). Collection method: clinical testing. Allele origin: germline.

PreventionGenetics, part of Exact Sciences
Classification: Uncertain significance for MSH6-related condition. Last evaluated: 2024-11-27. Review status: criteria provided, single submitter. Criteria: ACMG Guidelines, 2015. Collection method: clinical testing. Allele origin: germline.
Comment: The MSH6 c.1231A>T variant is predicted to result in the amino acid substitution p.Arg411Trp. This variant has been reported in at least one individual with early-onset breast cancer (Maxwell et al. 2015. PubMed ID: 25503501). this variant has not been reported in a large population database (gnomAD), indicating this variant is rare, and is classified as a variant of uncertain significance in ClinVar. At this time, the clinical significance of this variant is uncertain due to the absence of conclusive functional and genetic evidence.

Blueprint Genetics
Classification: Uncertain significance. Last evaluated: 2024-09-19. Review status: criteria provided, single submitter. Criteria: ACMG Guidelines, 2015. Collection method: clinical testing. Allele origin: germline.

Baylor Genetics
Classification: Uncertain significance for Endometrial carcinoma. Last evaluated: 2023-06-06. Review status: criteria provided, single submitter. Criteria: ACMG Guidelines, 2015. Collection method: clinical testing. Allele origin: unknown.

GeneDx
Classification: Uncertain significance. Last evaluated: 2021-10-01. Review status: criteria provided, single submitter. Criteria: GeneDx Variant Classification Process June 2021. Collection method: clinical testing. Allele origin: germline. Affected: yes.
Comment: Not observed at significant frequency in large population cohorts (Lek 2016); In silico analysis supports that this missense variant has a deleterious effect on protein structure/function; This variant is associated with the following publications: (PMID: 21120944, 17531815, 25503501)

Color Diagnostics, LLC DBA Color Health
Classification: Uncertain significance for Hereditary cancer-predisposing syndrome. Last evaluated: 2019-12-04. Review status: criteria provided, single submitter. Criteria: ACMG Guidelines, 2015. Collection method: clinical testing. Allele origin: germline.
Comment: This missense variant replaces arginine with tryptophan at codon 411 of the MSH6 protein. Computational prediction suggests that this variant may have deleterious impact on protein structure and function (internally defined REVEL score threshold >= 0.7, PMID: 27666373). Splice site prediction tools suggest that this variant may not impact RNA splicing. To our knowledge, functional studies have not been performed for this variant. This variant has been reported in at least 1 individual affected with breast cancer (PMID: 25503501). This variant has not been identified in the general population by the Genome Aggregation Database (gnomAD). The available evidence is insufficient to determine the role of this variant in disease conclusively. Therefore, this variant is classified as a Variant of Uncertain Significance.

NM_000179.3(MSH6):c.1231A>T (p.Arg411Trp)

Gene: MSH6 (mutS homolog 6; plus strand). Cytogenetic location: 2p16.3.
Variant type: single nucleotide variant.
Coding change: c.1231A>T on transcript NM_000179.3 (MANE Select); coding-DNA position 1231, A replaced by T.
Protein change: p.Arg411Trp; replaces arginine 411 with tryptophan.
Molecular consequence: missense variant.
Genome position (GRCh38, 1-based): chr2:47,799,214, A>T. VCF-style: chr2-47799214-A-T. GRCh37 (hg19) VCF-style: chr2-48026353-A-T.
Other names: c.841A>T, p.Arg281Trp (NM_001281492.2); c.325A>T, p.Arg109Trp (NM_001281493.2, NM_001281494.2); short protein forms R411W, R281W, R109W.
Identifiers: ClinVar variation 419791 (VCV000419791.26), dbSNP rs202219685, ClinGen allele CA16617647.